The following is an entry in ClinVar:

ClinVar aggregate classification (germline): Uncertain significance. Review status: criteria provided, multiple submitters, no conflicts (2 of 4 stars). 3 submissions from 3 submitters: Uncertain significance (3). Last evaluated 2026-05-10.

Conditions:
RP1-related disorder. Also called: RP1-related condition.

Allele frequency attached by ClinVar (database versions not stated): gnomAD exomes 0.00001; TOPMed 0.00002; gnomAD 0.00003.

Submissions (3):

PreventionGenetics, part of Exact Sciences
Classification: Uncertain significance for RP1-related condition. Last evaluated: 2026-05-10. Review status: criteria provided, single submitter. Criteria: ACMG Guidelines, 2015. Collection method: clinical testing. Allele origin: germline.
Comment: The RP1 c.5512C>T variant is predicted to result in the amino acid substitution p.Arg1838Cys. To our knowledge, this variant has not been reported in the literature. This variant is reported in 0.0065% of alleles in individuals of European (Non-Finnish) descent in gnomAD. At this time, the clinical significance of this variant is uncertain due to the absence of conclusive functional and genetic evidence.

Labcorp Genetics (formerly Invitae), Labcorp
Classification: Uncertain significance. Last evaluated: 2025-08-19. Review status: criteria provided, single submitter. Criteria: Invitae Variant Classification Sherloc (09022015). Collection method: clinical testing. Allele origin: germline.
Comment: This sequence change replaces arginine, which is basic and polar, with cysteine, which is neutral and slightly polar, at codon 1838 of the RP1 protein (p.Arg1838Cys). This variant is present in population databases (no rsID available, gnomAD 0.007%). This variant has not been reported in the literature in individuals affected with RP1-related conditions. ClinVar contains an entry for this variant (Variation ID: 1903533). An algorithm developed to predict the effect of missense changes on protein structure and function (PolyPhen-2) suggests that this variant is likely to be disruptive. In summary, the available evidence is currently insufficient to determine the role of this variant in disease. Therefore, it has been classified as a Variant of Uncertain Significance.

Blueprint Genetics
Classification: Uncertain significance. Last evaluated: 2017-07-21. Review status: criteria provided, single submitter. Criteria: ACMG Guidelines, 2015. Collection method: clinical testing. Allele origin: germline.

NM_006269.2(RP1):c.5512C>T (p.Arg1838Cys)

Genes: RP1 (RP1 axonemal microtubule associated; plus strand), LOC126860392 (CDK7 strongly-dependent group 2 enhancer GRCh37_chr8:55541319-55542518; plus strand). Cytogenetic location: 8q12.1.
Variant type: single nucleotide variant.
Coding change: c.5512C>T on transcript NM_006269.2 (MANE Select); coding-DNA position 5512, C replaced by T.
Protein change: p.Arg1838Cys; replaces arginine 1838 with cysteine.
Molecular consequence: missense variant. On other transcripts: intron variant (1).
Genome position (GRCh38, 1-based): chr8:54,629,394, C>T. VCF-style: chr8-54629394-C-T. GRCh37 (hg19) VCF-style: chr8-55541954-C-T.
Other names: c.5512C>T (NM_006269.1); c.787+7106C>T (NM_001375654.1); short protein forms R1838C.
Identifiers: ClinVar variation 1903533 (VCV001903533.7), dbSNP rs1240493980, ClinGen allele CA370986892.